The following is an entry in ClinVar:

ClinVar aggregate classification (germline): Pathogenic. Review status: criteria provided, multiple submitters, no conflicts (2 of 4 stars). 2 submissions from 2 submitters: Pathogenic (2). Last evaluated 2024-06-18.

Conditions:
Hereditary cancer-predisposing syndrome. Also called: Neoplastic Syndromes, Hereditary; Tumor predisposition; Hereditary Cancer Syndrome; Hereditary neoplastic syndrome. Identifiers: Orphanet 140162, MedGen C0027672, MeSH D009386, MONDO:0015356.

Submissions (2):

Ambry Genetics
Classification: Pathogenic for Hereditary cancer-predisposing syndrome. Last evaluated: 2024-06-18. Review status: criteria provided, single submitter. Criteria: Ambry Variant Classification Scheme 2023. Collection method: clinical testing. Allele origin: germline.
Comment: The p.C157* pathogenic mutation (also known as c.471T>A), located in coding exon 4 of the RAD50 gene, results from a T to A substitution at nucleotide position 471. This changes the amino acid from a cysteine to a stop codon within coding exon 4. This alteration is expected to result in loss of function by premature protein truncation or nonsense-mediated mRNA decay. As such, this alteration is interpreted as a disease-causing mutation.

Labcorp Genetics (formerly Invitae), Labcorp
Classification: Pathogenic for Hereditary cancer-predisposing syndrome. Last evaluated: 2023-03-16. Review status: criteria provided, single submitter. Criteria: Invitae Variant Classification Sherloc (09022015). Collection method: clinical testing. Allele origin: germline.
Comment: This sequence change creates a premature translational stop signal (p.Cys157*) in the RAD50 gene. It is expected to result in an absent or disrupted protein product. Loss-of-function variants in RAD50 are known to be pathogenic (PMID: 19409520). This variant is not present in population databases (gnomAD no frequency). This variant has not been reported in the literature in individuals affected with RAD50-related conditions. ClinVar contains an entry for this variant (Variation ID: 639622). For these reasons, this variant has been classified as Pathogenic.

Literature cited by the submitters: PubMed 19409520 (cited by Labcorp Genetics (formerly Invitae), Labcorp).

NM_005732.4(RAD50):c.471T>A (p.Cys157Ter)

Gene: RAD50 (RAD50 double strand break repair protein; plus strand). Cytogenetic location: 5q31.1.
Variant type: single nucleotide variant.
Coding change: c.471T>A on transcript NM_005732.4 (MANE Select); coding-DNA position 471, T replaced by A.
Protein change: p.Cys157Ter; replaces cysteine 157 with a stop codon.
Molecular consequence: nonsense.
Genome position (GRCh38, 1-based): chr5:132,579,422, T>A. VCF-style: chr5-132579422-T-A. GRCh37 (hg19) VCF-style: chr5-131915114-T-A.
Other names: short protein forms C157*.
Identifiers: ClinVar variation 639622 (VCV000639622.14), dbSNP rs113018012, ClinGen allele CA360934405.